The following is an entry in ClinVar:

NM_024675.4(PALB2):c.1689G>C (p.Lys563Asn)

Gene: PALB2 (partner and localizer of BRCA2; minus strand). Cytogenetic location: 16p12.2.
Variant type: single nucleotide variant.
Coding change: c.1689G>C on transcript NM_024675.4 (MANE Select); coding-DNA position 1689, G replaced by C.
Protein change: p.Lys563Asn; replaces lysine 563 with asparagine.
Molecular consequence: missense variant. On other transcripts: 5 prime UTR variant (2), intron variant (1).
Genome position (GRCh38, 1-based): chr16:23,630,465, C>G on the plus strand (G>C on the coding strand, the complement: PALB2 is on the minus strand). VCF-style: chr16-23630465-C-G. GRCh37 (hg19) VCF-style: chr16-23641786-C-G.
Other names: c.1629G>C, p.Lys543Asn (NM_001407296.1); c.1689G>C, p.Lys563Asn (NM_001407297.1, NM_001407298.1, NM_001407299.1 and 3 more transcripts); c.804G>C, p.Lys268Asn (NM_001407304.1, NM_001407305.1, NM_001407306.1 and 5 more transcripts); c.-100G>C (NM_001407312.1, NM_001407313.1); c.49-1190G>C (NM_001407314.1); short protein forms K268N, K543N, K563N.
Identifiers: ClinVar variation 3227995 (VCV003227995.1), dbSNP rs2142391318, ClinGen allele CA395128481.
Genomic context (GRCh38, chr16:23,630,465, plus strand): 5'-CAAGGATAAATAAGCACTATTACTCCAAGAAAGGGAATCCTCTTTTTGATGACGACTTTT[C>G]TTCCCTAAAGAAGAAAAATAAGTCACAAAATAGTAACAAAACCCAACAAAACAGACAATC-3'
Protein context (NP_078951.2, residues 553-573): HEKLFIQVKG[Lys563Asn]KSRHQKEDSL

ClinVar aggregate classification (germline): Uncertain significance (1 of 4 stars; one submission).

Conditions:
Hereditary cancer-predisposing syndrome. Also called: Neoplastic Syndromes, Hereditary; Tumor predisposition; Hereditary neoplastic syndrome; Hereditary Cancer Syndrome. Identifiers: Orphanet 140162, MedGen C0027672, MeSH D009386, MONDO:0015356.

Submission:

Ambry Genetics
Classification: Uncertain significance for Hereditary cancer-predisposing syndrome. Last evaluated: 2024-02-24. Review status: criteria provided, single submitter. Criteria: Ambry Variant Classification Scheme 2023. Collection method: clinical testing. Allele origin: germline.
Comment: The p.K563N variant (also known as c.1689G>C), located in coding exon 5 of the PALB2 gene, results from a G to C substitution at nucleotide position 1689. The lysine at codon 563 is replaced by asparagine, an amino acid with similar properties. This amino acid position is conserved. In addition, this alteration is predicted to be tolerated by in silico analysis. Based on the available evidence, the clinical significance of this alteration remains unclear.